The following is an entry in ClinVar:

NM_005612.5(REST):c.1503_1504del (p.Glu501fs)

Gene: REST (RE1 silencing transcription factor; plus strand). Cytogenetic location: 4q12.
Variant type: Microsatellite.
Coding change: c.1503_1504del on transcript NM_005612.5 (MANE Select); coding-DNA positions 1503 to 1504, 2 bases deleted (GA; older notation c.1503_1504delGA).
Protein change: p.Glu501fs; shifts the reading frame from glutamic acid 501.
Molecular consequence: frameshift variant.
Genome position (GRCh38, 1-based): chr4:56,930,361-56,930,362, GA deleted; deleting any 2 consecutive bases within chr4:56,930,358-56,930,362 gives the same sequence; the c. name uses the placement nearest the transcript's 3' end. VCF-style (leftmost placement, unchanged base first): chr4-56930357-AAG-A. GRCh37 (hg19) VCF-style: chr4-57796523-AAG-A.
Other names: c.1503_1504del, p.Glu501fs (NM_001193508.2, NM_001363453.3); c.1419_1420del, p.Glu473fs (NM_001440532.1, NM_001440533.1); short protein forms E473fs, E501fs.
Identifiers: ClinVar variation 4880669 (VCV004880669.2).
Genomic context (GRCh38, chr4:56,930,357, plus strand): 5'-CTAATAATGTGTCAGTGATCCAGGTGACTACCAGAACTCGAAAATCAGTAACAGAGGTGA[AAG>A]AGATGGATGTGCATACAGGAAGCAATTCAGAAAAATTCAGTAAAACTAAGAAAAGCAAAA-3'

ClinVar aggregate classification (germline): Likely pathogenic (1 of 4 stars; one submission).

Conditions:
Fibromatosis, gingival, 5. Also called: FIBROMATOSIS, GINGIVAL, HEREDITARY, 5. Identifiers: MedGen C4539942, MONDO:0033493, OMIM 617626.

Submission:

Dasa
Classification: Likely pathogenic for Fibromatosis, gingival, 5. Last evaluated: 2026-03-05. Review status: criteria provided, single submitter. Criteria: DASA Assertion Criteria. Collection method: clinical testing. Allele origin: germline.
Comment: NM_005612.5(REST):c.1503_1504del (p.Glu501Aspfs*14) is a frameshift variant in REST predicted to alter the reading frame and introduce a premature termination codon and is predicted to result in an absent or altered protein product. Loss of function is an established disease mechanism for REST-associated disorders. Published studies describe this variant in association with related phenotype (PMID: 28686854; PMID: 36509837). Also, this variant is absent from population databases. Based on the currently available evidence, this variant is classified as likely pathogenic.

Literature cited by the submitters: PubMed 28686854; PubMed 36509837.